The following is an entry in ClinVar:

NM_024675.4(PALB2):c.2178T>C (p.Pro726=)

Gene: PALB2 (partner and localizer of BRCA2; minus strand). Cytogenetic location: 16p12.2.
Variant type: single nucleotide variant.
Coding change: c.2178T>C on transcript NM_024675.4 (MANE Select); coding-DNA position 2178, T replaced by C.
Protein change: p.Pro726=; no amino-acid change (proline 726 retained).
Molecular consequence: synonymous variant.
Genome position (GRCh38, 1-based): chr16:23,629,976, A>G on the plus strand (T>C on the coding strand, the complement: PALB2 is on the minus strand). VCF-style: chr16-23629976-A-G. GRCh37 (hg19) VCF-style: chr16-23641297-A-G.
Identifiers: ClinVar variation 215930 (VCV000215930.21), dbSNP rs863224429, ClinGen allele CA336155.

ClinVar aggregate classification (germline): Benign/Likely benign. Review status: criteria provided, multiple submitters, no conflicts (2 of 4 stars). 5 submissions from 5 submitters: Benign (1); Likely benign (4). Last evaluated 2026-01-14.

Conditions:
Hereditary cancer-predisposing syndrome. Also called: Hereditary neoplastic syndrome; Neoplastic Syndromes, Hereditary; Tumor predisposition; Hereditary Cancer Syndrome. Identifiers: Orphanet 140162, MedGen C0027672, MeSH D009386, MONDO:0015356.
Familial cancer of breast. Also called: BREAST CANCER, FAMILIAL; Hereditary breast cancer; hereditary breast carcinoma. Identifiers: Orphanet 227535, MedGen C0346153, MONDO:0016419, OMIM 114480. Disease mechanism: loss of function.

Allele frequency attached by ClinVar (database versions not stated): gnomAD exomes below 0.00001 and 0.00001.
gnomAD v4.1: 6 of 1,614,206 alleles (0.00037%); highest among the groups gnomAD compares: Admixed American, 0.0017%; no homozygotes.

Submissions (5):

Labcorp Genetics (formerly Invitae), Labcorp
Classification: Likely benign for Familial cancer of breast. Last evaluated: 2026-01-14. Review status: criteria provided, single submitter. Criteria: Invitae Variant Classification Sherloc (09022015). Collection method: clinical testing. Allele origin: germline.

Myriad Genetics, Inc.
Classification: Benign for Familial cancer of breast. Last evaluated: 2025-01-15. Review status: criteria provided, single submitter. Criteria: Myriad Autosomal Dominant, Autosomal Recessive and X-Linked Classification Criteria (2023). Collection method: clinical testing. Allele origin: unknown.
Comment: This variant is considered benign. This variant is a silent/synonymous amino acid change and it is not expected to impact splicing.

GeneDx
Classification: Likely benign. Last evaluated: 2020-07-19. Review status: criteria provided, single submitter. Criteria: GeneDx Variant Classification Process June 2021. Collection method: clinical testing. Allele origin: germline. Affected: yes.

Color Diagnostics, LLC DBA Color Health
Classification: Likely benign for Hereditary cancer-predisposing syndrome. Last evaluated: 2017-08-30. Review status: criteria provided, single submitter. Criteria: ACMG Guidelines, 2015. Collection method: clinical testing. Allele origin: germline.

Ambry Genetics
Classification: Likely benign for Hereditary cancer-predisposing syndrome. Last evaluated: 2016-08-15. Review status: criteria provided, single submitter. Criteria: Ambry Variant Classification Scheme 2023. Collection method: clinical testing. Allele origin: germline.